The following is an entry in ClinVar:

NM_058216.1:c.371_372insALU

Gene: RAD51C (RAD51 paralog C; plus strand).
Variant type: Insertion.
Identifiers: ClinVar variation 2625135 (VCV002625135.2).

ClinVar aggregate classification (germline): Likely pathogenic (1 of 4 stars; one submission).

Conditions:
Hereditary cancer-predisposing syndrome. Also called: Tumor predisposition; Hereditary Cancer Syndrome; Hereditary neoplastic syndrome; Neoplastic Syndromes, Hereditary. Identifiers: Orphanet 140162, MedGen C0027672, MeSH D009386, MONDO:0015356.

Submission:

Ambry Genetics
Classification: Likely pathogenic for Hereditary cancer-predisposing syndrome. Last evaluated: 2023-06-29. Review status: criteria provided, single submitter. Criteria: Ambry Variant Classification Scheme 2023. Collection method: clinical testing. Allele origin: germline.
Comment: The c.371_372insALU likely pathogenic variant results from the insertion of an Alu element between nucleotides 371 and 372 in coding exon 2 of the RAD51C gene. Mobile element insertions contribute to pathogenicity by either disrupting the coding sequence or inducing aberrant splicing (Belancio VP et al. Semin. Cancer Biol. 2010 Aug;20:200-10; Deininger P et al. Genome Biol. 2011 Dec;12:236; van der Klift HM Hum Mutat. 2012 Jul;33(7):1051-5). Based on the majority of available evidence to date, this variant is likely to be pathogenic.